The following is an entry in ClinVar:

NM_000179.3(MSH6):c.116_120delinsAGGCT (p.Gly39Glu)

Gene: MSH6 (mutS homolog 6; plus strand). Cytogenetic location: 2p16.3.
Variant type: Indel.
Coding change: c.116_120delinsAGGCT on transcript NM_000179.3 (MANE Select); coding-DNA positions 116 to 120, GGGCC replaced by AGGCT.
Protein change: p.Gly39Glu; replaces glycine 39 with glutamic acid.
Molecular consequence: missense variant. On other transcripts: 5 prime UTR variant (7), non-coding transcript variant (5), intron variant (5).
Genome position (GRCh38, 1-based): chr2:47,783,349-47,783,353, GGGCC replaced by AGGCT. VCF-style: chr2-47783349-GGGCC-AGGCT. GRCh37 (hg19) VCF-style: chr2-48010488-GGGCC-AGGCT.
Other names: c.116_120delinsAGGCT, p.Gly39Glu (NM_001281492.2, NM_001406795.1, NM_001406796.1 and 9 more transcripts); c.-621_-617delinsAGGCT (NM_001281493.2, NM_001406811.1); c.-213_-209delinsAGGCT (NM_001406799.1); c.61_65delinsAGGCT, p.Gly21_Pro22delinsArgLeu (NM_001406804.1); c.-813_-809delinsAGGCT (NM_001406807.1); c.-468_-464delinsAGGCT (NM_001406812.1); c.-879_-875delinsAGGCT (NM_001406814.1); c.-424_-420delinsAGGCT (NM_001406816.1); and 3 more; short protein forms G39E.
Identifiers: ClinVar variation 3904561 (VCV003904561.1).

ClinVar aggregate classification (germline): Benign (1 of 4 stars; one submission).

Conditions:
Lynch syndrome 5 (LYNCH5). Also called: Colorectal cancer, hereditary nonpolyposis, type 5; Hereditary non-polyposis colorectal cancer, type 5. Identifiers: Orphanet 144, MedGen C1833477, MONDO:0013710, OMIM 614350. Disease mechanism: loss of function.

Submission:

Myriad Genetics, Inc.
Classification: Benign for Lynch syndrome 5. Last evaluated: 2024-12-17. Review status: criteria provided, single submitter. Criteria: Myriad Autosomal Dominant, Autosomal Recessive and X-Linked Classification Criteria (2023). Collection method: clinical testing. Allele origin: unknown.
Comment: This variant is considered benign. This variant has been observed at a population frequency that is significantly greater than expected given the associated disease prevalence and penetrance.